The following is an entry in ClinVar:

NC_000002.11:g.(?_73746892)_(73800561_?)del

Gene: ALMS1 (ALMS1 centrosome and basal body associated protein; plus strand). Cytogenetic location: 2p13.1.
Variant type: Deletion.
Identifiers: ClinVar variation 1373843 (VCV001373843.4).

ClinVar aggregate classification (germline): Pathogenic (1 of 4 stars; one submission).

Conditions:
Alstrom syndrome (ALMS). Identifiers: Orphanet 64, MedGen C0268425, MONDO:0008763, OMIM 203800.

Submission:

Labcorp Genetics (formerly Invitae), Labcorp
Classification: Pathogenic for Alstrom syndrome. Last evaluated: 2021-08-26. Review status: criteria provided, single submitter. Criteria: Invitae Variant Classification Sherloc (09022015). Collection method: clinical testing. Allele origin: germline.
Comment: For these reasons, this variant has been classified as Pathogenic. This variant is a gross deletion of the genomic region encompassing exon(s) 11-16 of the ALMS1 gene. This deletion is out-of-frame, and is expected to create a premature termination codon and result in an absent or disrupted protein product. Loss-of-function variants in ALMS1 are known to be pathogenic (PMID: 17594715). This variant has not been reported in the literature in individuals affected with ALMS1-related conditions.

Literature cited by the submitters: PubMed 17594715.